The following is an entry in ClinVar:

ClinVar aggregate classification (germline): Pathogenic/Likely pathogenic. Review status: criteria provided, multiple submitters, no conflicts (2 of 4 stars). 6 submissions from 6 submitters: Pathogenic (2); Likely pathogenic (2). 2 of the submissions do not count toward it. Last evaluated 2025-04-30.

Conditions:
Glucose-6-phosphate transport defect (GSD1B). Also called: GSD Ib; Glycogen Storage Disease Type Ib. Identifiers: Orphanet 364, Orphanet 79259, MedGen C0268146, MONDO:0009288, OMIM 232220.
Congenital disorder of glycosylation, type IIw. Identifiers: MedGen C5561986, MONDO:0030437, OMIM 619525.
Phosphate transport defect (GSD1C). Also called: GLYCOGEN STORAGE DISEASE Ic; GSD Ic. Identifiers: Orphanet 364, Orphanet 79259, MedGen C0342749, OMIM 232240.

Allele frequency attached by ClinVar (database versions not stated): TOPMed 0.00001.

Submissions (6):

Labcorp Genetics (formerly Invitae), Labcorp
Classification: Pathogenic for Glucose-6-phosphate transport defect. Last evaluated: 2025-04-30. Review status: criteria provided, single submitter. Criteria: Invitae Variant Classification Sherloc (09022015). Collection method: clinical testing. Allele origin: germline.
Comment: This sequence change replaces glycine, which is neutral and non-polar, with aspartic acid, which is acidic and polar, at codon 339 of the SLC37A4 protein (p.Gly339Asp). This variant is not present in population databases (gnomAD no frequency). This missense change has been observed in individual(s) with autosomal recessive glycogen storage disease type 1b (PMID: 10931421, 15669677). In at least one individual the data is consistent with being in trans (on the opposite chromosome) from a pathogenic variant. This variant is also known as p.G339D in the G6PT or G6PT1 gene. ClinVar contains an entry for this variant (Variation ID: 6935). Invitae Evidence Modeling of protein sequence and biophysical properties (such as structural, functional, and spatial information, amino acid conservation, physicochemical variation, residue mobility, and thermodynamic stability) indicates that this missense variant is expected to disrupt SLC37A4 protein function with a positive predictive value of 80%. Experimental studies have shown that this missense change affects SLC37A4 function (PMID: 12444104). This variant disrupts the p.Gly339 amino acid residue in SLC37A4. Other variant(s) that disrupt this residue have been determined to be pathogenic (PMID: 9428641, 9758626, 10482962, 10923042). This suggests that this residue is clinically significant, and that variants that disrupt this residue are likely to be disease-causing. For these reasons, this variant has been classified as Pathogenic.

CeGaT Center for Human Genetics Tuebingen
Classification: Likely pathogenic. Last evaluated: 2023-07-01. Review status: criteria provided, single submitter. Criteria: CeGaT Center For Human Genetics Tuebingen Variant Classification Criteria Version 2. Collection method: clinical testing. Allele origin: germline. Affected: yes. Observed: 1 variant allele.
Comment: SLC37A4: PM2, PM5, PS4:Moderate, PP3, PS3:Supporting

Baylor Genetics
Classification: Pathogenic for Glucose-6-phosphate transport defect. Last evaluated: 2022-12-19. Review status: criteria provided, single submitter. Criteria: ACMG Guidelines, 2015. Collection method: clinical testing. Allele origin: unknown.

Fulgent Genetics
Classification: Likely pathogenic for Glucose-6-phosphate transport defect; Phosphate transport defect; Congenital disorder of glycosylation, type IIw. Last evaluated: 2021-09-17. Review status: criteria provided, single submitter. Criteria: ACMG Guidelines, 2015. Collection method: clinical testing. Allele origin: unknown.

OMIM
Classification: Pathogenic for GLYCOGEN STORAGE DISEASE Ib. Last evaluated: 2000-08-01. Review status: no assertion criteria provided. Collection method: literature only. Allele origin: germline. Not counted in ClinVar's aggregate classification.

UniProtKB/Swiss-Prot
No classification provided. Review status: no classification provided. Collection method: not provided. Allele origin: not provided. Not counted in ClinVar's aggregate classification.

Literature cited by the submitters: PubMed 10931421 (cited by Labcorp Genetics (formerly Invitae), Labcorp and OMIM); PubMed 15669677 (cited by Labcorp Genetics (formerly Invitae), Labcorp); PubMed 12444104 (cited by Labcorp Genetics (formerly Invitae), Labcorp); PubMed 9428641 (cited by Labcorp Genetics (formerly Invitae), Labcorp); PubMed 9758626 (cited by Labcorp Genetics (formerly Invitae), Labcorp); PubMed 10482962 (cited by Labcorp Genetics (formerly Invitae), Labcorp); PubMed 10923042 (cited by Labcorp Genetics (formerly Invitae), Labcorp).

NM_001164277.2(SLC37A4):c.1016G>A (p.Gly339Asp)

Gene: SLC37A4 (solute carrier family 37 member 4; minus strand). Cytogenetic location: 11q23.3.
Variant type: single nucleotide variant.
Coding change: c.1016G>A on transcript NM_001164277.2 (MANE Select); coding-DNA position 1016, G replaced by A.
Protein change: p.Gly339Asp; replaces glycine 339 with aspartic acid.
Molecular consequence: missense variant.
Genome position (GRCh38, 1-based): chr11:119,025,298, C>T on the plus strand (G>A on the coding strand, the complement: SLC37A4 is on the minus strand). VCF-style: chr11-119025298-C-T. GRCh37 (hg19) VCF-style: chr11-118896008-C-T.
Other names: c.1082G>A, p.Gly361Asp (NM_001164278.2); c.797G>A, p.Gly266Asp (NM_001164279.2); c.1016G>A, p.Gly339Asp (NM_001164280.2, NM_001467.6); short protein forms G339D, G266D, G361D.
Identifiers: ClinVar variation 6935 (VCV000006935.32), dbSNP rs121908980, ClinGen allele CA219275.
Genomic context (GRCh38, chr11:119,025,298, plus strand): 5'-GGAGGGGCACTCTCGTTGGCTATGACTCCAAACAGGGCAATGGGGCCATACGAGGAGAAA[C>T]CAAATACAGCTCCCAATACCAGGATCCAGAGCTGCCAAGGGCAGAGTGGAGTGGCATTCA-3'
Protein context (NP_001157749.1, residues 329-349): LWILVLGAVF[Gly339Asp]FSSYGPIALF